The following is an entry in ClinVar:

ClinVar aggregate classification (germline): Pathogenic (1 of 4 stars; one submission).

Submission:

Labcorp Genetics (formerly Invitae), Labcorp
Classification: Pathogenic. Last evaluated: 2023-12-15. Review status: criteria provided, single submitter. Criteria: Invitae Variant Classification Sherloc (09022015). Collection method: clinical testing. Allele origin: germline.
Comment: This sequence change creates a premature translational stop signal (p.Pro24Argfs*51) in the DGAT1 gene. It is expected to result in an absent or disrupted protein product. Loss-of-function variants in DGAT1 are known to be pathogenic (PMID: 29604290). This variant is not present in population databases (gnomAD no frequency). This variant has not been reported in the literature in individuals affected with DGAT1-related conditions. For these reasons, this variant has been classified as Pathogenic.

Literature cited by the submitters: PubMed 29604290.

NM_012079.6(DGAT1):c.69_82del (p.Pro24fs)

Genes: DGAT1 (diacylglycerol O-acyltransferase 1; minus strand), LOC130001386 (ATAC-STARR-seq lymphoblastoid silent region 19673; plus strand). Cytogenetic location: 8q24.3.
Variant type: Deletion.
Coding change: c.69_82del on transcript NM_012079.6 (MANE Select); coding-DNA positions 69 to 82, 14 bases deleted (GCCTGCGGCGGCGG).
Protein change: p.Pro24fs; shifts the reading frame from proline 24.
Molecular consequence: frameshift variant.
Genome position (GRCh38, 1-based): chr8:144,326,555-144,326,568, CCGCCGCCGCAGGC deleted on the plus strand (GCCTGCGGCGGCGG on the coding strand, the reverse complement: DGAT1 is on the minus strand); deleting any 14 consecutive bases within chr8:144,326,555-144,326,578 gives the same sequence; the c. name uses the placement nearest the transcript's 3' end. VCF-style (leftmost placement, unchanged base first): chr8-144326554-TCCGCCGCCGCAGGC-T. GRCh37 (hg19) VCF-style: chr8-145550217-TCCGCCGCCGCAGGC-T.
Other names: short protein forms P24fs.
Identifiers: ClinVar variation 2955867 (VCV002955867.3), dbSNP rs1328127456, ClinGen allele CA2579279758.
Genomic context (GRCh38, chr8:144,326,554, plus strand): 5'-GCTGGCGCGTCCCCCGCGGCTCCCACGTCGGGGCCCGCAGCGGCGTCCCGCACCTCCTCT[TCCGCCGCCGCAGGC>T]CCGCCGCCGCCGTGGCTCGAGGGCCGCGACCCTGTCCTCCGGCGCCGGGAGCTGCCGCGG-3'